The following is an entry in ClinVar:

ClinVar aggregate classification (germline): Benign/Likely benign. Review status: criteria provided, multiple submitters, no conflicts (2 of 4 stars). 4 submissions from 4 submitters: Benign (1); Likely benign (2). 1 of the submissions does not count toward it. Last evaluated 2025-06-01.

Conditions:
ZSWIM6-related disorder. Also called: ZSWIM6-related condition.

Allele frequency attached by ClinVar (database versions not stated): 1000 Genomes Project 30x 0.00062.

Submissions (4):

CeGaT Center for Human Genetics Tuebingen
Classification: Likely benign. Last evaluated: 2025-06-01. Review status: criteria provided, single submitter. Criteria: CeGaT Center For Human Genetics Tuebingen Variant Classification Criteria Version 2. Collection method: clinical testing. Allele origin: germline. Affected: yes. Observed: 1 variant allele.
Comment: ZSWIM6: BP4, BP7

Labcorp Genetics (formerly Invitae), Labcorp
Classification: Benign. Last evaluated: 2025-01-06. Review status: criteria provided, single submitter. Criteria: Invitae Variant Classification Sherloc (09022015). Collection method: clinical testing. Allele origin: germline.

Blueprint Genetics
Classification: Likely benign. Last evaluated: 2024-10-21. Review status: criteria provided, single submitter. Criteria: ACMG Guidelines, 2015. Collection method: clinical testing. Allele origin: germline.

PreventionGenetics, part of Exact Sciences
Classification: Likely benign for ZSWIM6-related condition. Last evaluated: 2022-02-17. Review status: no assertion criteria provided. Collection method: clinical testing. Allele origin: germline. Not counted in ClinVar's aggregate classification.
Comment: This variant is classified as likely benign based on ACMG/AMP sequence variant interpretation guidelines (Richards et al. 2015 PMID: 25741868, with internal and published modifications).

NM_020928.2(ZSWIM6):c.222C>T (p.Pro74=)

Gene: ZSWIM6 (zinc finger SWIM-type containing 6; plus strand). Cytogenetic location: 5q12.1.
Variant type: single nucleotide variant.
Coding change: c.222C>T on transcript NM_020928.2 (MANE Select); coding-DNA position 222, C replaced by T.
Protein change: p.Pro74=; no amino-acid change (proline 74 retained).
Molecular consequence: synonymous variant.
Genome position (GRCh38, 1-based): chr5:61,332,494, C>T. VCF-style: chr5-61332494-C-T. GRCh37 (hg19) VCF-style: chr5-60628321-C-T.
Other names: c.222C>T (NM_020928.1).
Identifiers: ClinVar variation 1620188 (VCV001620188.21), dbSNP rs757648079, ClinGen allele CA3278280.
Genomic context (GRCh38, chr5:61,332,494, plus strand): 5'-GGCGGCGTGCGGGGGCGGCGCGGCGCTGGGGTTGCTGCCGCCGGGCAAGACCCAGAGCCC[C>T]GAGTCGCTGCTGGACATCGCGGCGCGCAGGGTGGCGGAGAAGTGGCCGTTCCAGCGCGTG-3'
Protein context (NP_065979.1, residues 64-84): GLLPPGKTQS[Pro74=]ESLLDIAARR